The following is an entry in ClinVar:

NM_018129.4(PNPO):c.346C>T (p.Arg116Ter)

Gene: PNPO (pyridoxamine 5'-phosphate oxidase; plus strand). Cytogenetic location: 17q21.32.
Variant type: single nucleotide variant.
Coding change: c.346C>T on transcript NM_018129.4 (MANE Select); coding-DNA position 346, C replaced by T.
Protein change: p.Arg116Ter; replaces arginine 116 with a stop codon.
Molecular consequence: nonsense.
Genome position (GRCh38, 1-based): chr17:47,944,698, C>T. VCF-style: chr17-47944698-C-T. GRCh37 (hg19) VCF-style: chr17-46022064-C-T.
Other names: short protein forms R116*.
Identifiers: ClinVar variation 1452659 (VCV001452659.6), dbSNP rs148839273, ClinGen allele CA8629153.

ClinVar aggregate classification (germline): Pathogenic (1 of 4 stars; one submission).

Conditions:
Pyridoxal phosphate-responsive seizures (PNPOD). Also called: Pyridoxamine 5-Prime-Phosphate Oxidase Deficiency; Pyridoxine-5'-phosphate oxidase deficiency; EPILEPTIC ENCEPHALOPATHY, NEONATAL, PNPO-RELATED; SEIZURES, PYRIDOXINE-RESISTANT, PLP-SENSITIVE; Pyridoxal 5'-Phosphate (PLP)-Dependent Epilepsy. Identifiers: Orphanet 79096, MedGen C1864723, MONDO:0012407, OMIM 610090. Disease mechanism: loss of function.

Allele frequency attached by ClinVar (database versions not stated): 1000 Genomes Project 30x 0.00016; 1000 Genomes Project 0.00020.

Submission:

Labcorp Genetics (formerly Invitae), Labcorp
Classification: Pathogenic for Pyridoxal phosphate-responsive seizures. Last evaluated: 2023-06-07. Review status: criteria provided, single submitter. Criteria: Invitae Variant Classification Sherloc (09022015). Collection method: clinical testing. Allele origin: germline.
Comment: For these reasons, this variant has been classified as Pathogenic. ClinVar contains an entry for this variant (Variation ID: 1452659). This variant has not been reported in the literature in individuals affected with PNPO-related conditions. This variant is present in population databases (rs148839273, gnomAD 0.008%). This sequence change creates a premature translational stop signal (p.Arg116*) in the PNPO gene. It is expected to result in an absent or disrupted protein product. Loss-of-function variants in PNPO are known to be pathogenic (PMID: 15772097, 24645144).

Literature cited by the submitters: PubMed 15772097; PubMed 24645144.